The following is an entry in ClinVar:

NM_002693.3(POLG):c.611C>G (p.Ala204Gly)

Genes: POLG (DNA polymerase gamma, catalytic subunit; minus strand), POLGARF (POLG alternative reading frame; minus strand). Cytogenetic location: 15q26.1.
Variant type: single nucleotide variant.
Coding change: c.611C>G on transcript NM_002693.3 (MANE Select); coding-DNA position 611, C replaced by G.
Protein change: p.Ala204Gly; replaces alanine 204 with glycine.
Molecular consequence: missense variant.
Genome position (GRCh38, 1-based): chr15:89,333,144, G>C on the plus strand (C>G on the coding strand, the complement: POLG is on the minus strand). VCF-style: chr15-89333144-G-C. GRCh37 (hg19) VCF-style: chr15-89876375-G-C.
Other names: c.611C>G, p.Ala204Gly (NM_001126131.2); short protein forms A204G.
Identifiers: ClinVar variation 619442 (VCV000619442.1), dbSNP rs1015074661, ClinGen allele CA10602294.

ClinVar aggregate classification (germline): Uncertain significance (1 of 4 stars; one submission).

Conditions:
Progressive sclerosing poliodystrophy (MTDPS4A). Also called: Alpers-Huttenlocher Syndrome (AHS); Alpers Syndrome; ALPERS PROGRESSIVE INFANTILE POLIODYSTROPHY; Mitochondrial DNA depletion syndrome 4A (Alpers type); ALPERS DIFFUSE DEGENERATION OF CEREBRAL GRAY MATTER WITH HEPATIC CIRRHOSIS; Alpers-Huttenlocher Syndrome. Identifiers: Orphanet 726, MedGen C0205710, MONDO:0008758, OMIM 203700.

Allele frequency attached by ClinVar (database versions not stated): gnomAD 0.00001; TOPMed 0.00001.
gnomAD v4.1: 1 of 1,536,126 alleles (0.000065%); highest among the groups gnomAD compares: Non-Finnish European, 0.000088%; no homozygotes.

Submission:

Wong Mito Lab, Molecular and Human Genetics, Baylor College of Medicine
Classification: Uncertain significance for Progressive sclerosing poliodystrophy. Last evaluated: 2018-10-01. Review status: criteria provided, single submitter. Criteria: ACMG Guidelines, 2015. Collection method: clinical testing. Allele origin: germline.
Comment: The NM_002693.2:c.611C>G (NP_002684.1:p.Ala204Gly) [GRCH38: NC_000015.10:g.89333144G>C] variant in POLG gene is interpretated to be a Uncertain Significance based on ACMG guidelines (PMID: 25741868). This variant meets the following evidence codes reported in the ACMG-guideline. BP4:Computational evidence/predictors indicate no impact on the POLG structure, function, or protein-protein interaction. Based on the evidence criteria codes applied, the variant is suggested to be Uncertain Significance.